The following is an entry in ClinVar:

ClinVar aggregate classification (germline): Conflicting classifications of pathogenicity. Review status: criteria provided, conflicting classifications (1 of 4 stars). 6 submissions from 6 submitters: Uncertain significance (1); Benign (2); Likely benign (2). 1 of the submissions does not count toward it. Last evaluated 2025-12-19.

Conditions:
Inborn genetic diseases. Identifiers: MedGen C0950123, MeSH D030342.
ANKRD26-related disorder. Also called: ANKRD26-related condition.

Allele frequency attached by ClinVar (database versions not stated): ESP Exome Variant Server 0.00292; 1000 Genomes Project 0.00339; 1000 Genomes Project 30x 0.00359.
gnomAD v4.1: 771 of 1,613,936 alleles (0.048%); highest among the groups gnomAD compares: African/African-American, 0.91%; 6 homozygotes.

Submissions (6):

Labcorp Genetics (formerly Invitae), Labcorp
Classification: Benign. Last evaluated: 2025-12-19. Review status: criteria provided, single submitter. Criteria: Invitae Variant Classification Sherloc (09022015). Collection method: clinical testing. Allele origin: germline.

Blueprint Genetics
Classification: Likely benign. Last evaluated: 2024-10-09. Review status: criteria provided, single submitter. Criteria: ACMG Guidelines, 2015. Collection method: clinical testing. Allele origin: germline.

Ambry Genetics
Classification: Uncertain significance for Inborn genetic diseases. Last evaluated: 2024-10-02. Review status: criteria provided, single submitter. Criteria: Ambry Variant Classification Scheme 2023. Collection method: clinical testing. Allele origin: germline.
Comment: The p.D313Y variant (also known as c.937G>T), located in coding exon 9 of the ANKRD26 gene, results from a G to T substitution at nucleotide position 937. The aspartic acid at codon 313 is replaced by tyrosine, an amino acid with highly dissimilar properties. This amino acid position is conserved. In addition, this alteration is predicted to be tolerated by in silico analysis. Based on the available evidence, the clinical significance of this variant remains unclear.

Genetic Services Laboratory, University of Chicago
Classification: Benign. Last evaluated: 2017-11-21. Review status: criteria provided, single submitter. Criteria: ACMG Guidelines, 2015. Collection method: clinical testing. Allele origin: germline. Affected: no.

Breakthrough Genomics
Classification: Likely benign. Review status: criteria provided, single submitter. Criteria: ACMG Guidelines, 2015. Collection method: not provided. Allele origin: germline. Inheritance: Autosomal dominant inheritance. Affected: yes.

PreventionGenetics, part of Exact Sciences
Classification: Likely benign for ANKRD26-related condition. Last evaluated: 2019-10-25. Review status: no assertion criteria provided. Collection method: clinical testing. Allele origin: germline. Not counted in ClinVar's aggregate classification.
Comment: This variant is classified as likely benign based on ACMG/AMP sequence variant interpretation guidelines (Richards et al. 2015 PMID: 25741868, with internal and published modifications).

NM_014915.3(ANKRD26):c.937G>T (p.Asp313Tyr)

Gene: ANKRD26 (ankyrin repeat domain 26; minus strand). Cytogenetic location: 10p12.1.
Variant type: single nucleotide variant.
Coding change: c.937G>T on transcript NM_014915.3 (MANE Select); coding-DNA position 937, G replaced by T.
Protein change: p.Asp313Tyr; replaces aspartic acid 313 with tyrosine.
Molecular consequence: missense variant.
Genome position (GRCh38, 1-based): chr10:27,077,478, C>A on the plus strand (G>T on the coding strand, the complement: ANKRD26 is on the minus strand). VCF-style: chr10-27077478-C-A. GRCh37 (hg19) VCF-style: chr10-27366407-C-A.
Other names: c.937G>T, p.Asp313Tyr (NM_001256053.2); short protein forms D313Y.
Identifiers: ClinVar variation 1336378 (VCV001336378.12), dbSNP rs61730102, ClinGen allele CA5448731.
Genomic context (GRCh38, chr10:27,077,478, plus strand): 5'-AGCACTGGACTTTGATTGATGTTGTAGGAAGGCTTTCAACCACAACTTCATCTTGACTAT[C>A]GGAATCTCTATCCTCAAACAAAGTTCTATTTCCTGTTCTCACAGTGCCATATGTTGCTTC-3'
Protein context (NP_055730.2, residues 303-323): NRTLFEDRDS[Asp313Tyr]SQDEVVVESL